The following continues an entry in ClinVar:

NM_000142.5(FGFR3):c.1138G>A (p.Gly380Arg)

Gene: FGFR3. ClinVar aggregate classification (germline): Pathogenic. Pathogenic (57).

Submissions 9 to 18 of 70:

Ambry Genetics
Classification: Pathogenic for Inborn genetic diseases. Last evaluated: 2025-12-15. Review status: criteria provided, single submitter. Criteria: Ambry Variant Classification Scheme 2023. Collection method: clinical testing. Allele origin: germline.
Comment: The c.1138G>A (p.G380R) alteration is located in exon 9 (coding exon 8) of the FGFR3 gene. This alteration results from a G to A substitution at nucleotide position 1138, causing the glycine (G) at amino acid position 380 to be replaced by an arginine (R). for autosomal dominant FGFR3-related skeletal disorders; however, its clinical significance for autosomal dominant or recessive CATSHL syndrome is uncertain. The Genome Aggregation Database (gnomAD) data for this variant is unreliable due to technical and/or biological issues; therefore, population frequency estimates were not considered.This variant was not reported in population-based cohorts in the Genome Aggregation Database (gnomAD). This alteration is the most common alteration to cause achondroplasia and has been reported in many unrelated individuals, including some de novo occurrences (Xue, 2014; Zhang, 2021; Huang, 2023). Another alteration resulting in the same protein change, c.1138G>C, has been detected in individuals with achondroplasia (Xue, 2014). This amino acid position is not well conserved in available vertebrate species. In HEK293 cells, this variant demonstrated a small, but statistically significant increase in FGFR3 dimerization (Placone, 2012). This alteration is predicted to be deleterious by in silico analysis. Based on the available evidence, this alteration is classified as pathogenic.

Dasa
Classification: Pathogenic for Achondroplasia. Last evaluated: 2025-12-07. Review status: criteria provided, single submitter. Criteria: DASA Assertion Criteria. Collection method: clinical testing. Allele origin: germline. Observed: 1 variant allele.
Comment: NM_000142.5(FGFR3):c.1138G>A (p.Gly380Arg) introduces a glycine-to-arginine substitution that constitutively activates FGFR3 signaling. This variant is recurrently observed in individuals with achondroplasia and is a well-established disease-causing alteration. Based on the available data, this variant is classified as Pathogenic.

Pediatrics Department, King Faisal Specialist Hospital and Research Centre
Classification: Pathogenic for Achondroplasia. Last evaluated: 2025-10-26. Review status: criteria provided, single submitter. Criteria: ACMG Guidelines, 2015. Collection method: clinical testing. Allele origin: germline. Inheritance: Autosomal dominant inheritance. Affected: yes. Observed: 33 variant alleles, 32 heterozygotes, 1 homozygote.
Comment: Classified as Pathogenic per ACMG/AMP guidelines. This is a well-established, recurrent pathogenic variant for achondroplasia. Observed in 33 affected individuals from a clinical cohort (1 homozygous and 32 heterozygous), providing very strong evidence for pathogenicity (PS4). The variant is absent from population databases (PM2) and is a known null variant in a gene where loss-of-function is a known mechanism of disease (PVS1). The homozygous case presented with a more severe phenotype including respiratory distress syndrome.

Variantyx, Inc.
Classification: Pathogenic for Achondroplasia. Last evaluated: 2025-10-14. Review status: criteria provided, single submitter. Criteria: Variantyx Assertion Criteria 2022. Collection method: clinical testing. Allele origin: germline. Inheritance: Autosomal dominant inheritance. Affected: yes.
Comment: This is a nonsynonymous variant in the FGFR3 gene (OMIM: 134934). Pathogenic variants in this gene have been associated with autosomal dominant achondroplasia. Functional studies have shown that this variant alters FGFR3 protein function (PMID: 23056398, 28230213, 19088846) (PS3), and multiple computational algorithms predict a deleterious effect for this variant (REVEL score: 0.696) (PP3). An alternate nucleotide substitution resulting in the same amino acid change (c.1138G>C) has been previously reported as pathogenic (PMID: 21739570, 22045636, 22339077, 25614871, 25691418) (PS1). This variant has been reported in many unrelated affected individuals (PMID: 10979354) (PS4_Very_Strong) and has a 0.0012% maximum allele frequency in non-founder control populations (PM2). Based on the current evidence, this variant is classified as pathogenic for autosomal dominant achondroplasia.

Clinical Biomedical Laboratory, Shriners Hospital For Children - Canada
Classification: Pathogenic for Achondroplasia. Last evaluated: 2025-10-05. Review status: criteria provided, single submitter. Criteria: ACMG Guidelines, 2015. Collection method: clinical testing. Allele origin: germline. Affected: yes.
Comment: The variant changes a glycine residue in FGFR3 to an arginine residue. This variant in FGFR3 is the established cause of achondroplasia. This variant is absent from the Genome Aggregation Database (v2.1.1). Prediction algorithms support that the variant is detrimental to protein function (Revel: 0.686).

Revvity Omics, Revvity
Classification: Pathogenic. Last evaluated: 2025-08-08. Review status: criteria provided, single submitter. Criteria: ACMG Guidelines, 2015. Collection method: clinical testing. Allele origin: germline.

ARUP Laboratories, Molecular Genetics and Genomics, ARUP Laboratories
Classification: Pathogenic. Last evaluated: 2025-06-13. Review status: criteria provided, single submitter. Criteria: ARUP Molecular Germline Variant Investigation Process 2024. Collection method: clinical testing. Allele origin: germline.
Comment: The FGFR3 c.1138G>A; p.Gly380Arg variant (rs28931614) is the most common alteration identified in individuals with achondroplasia (Accogli 2015, Bessenyei 2013, Georgoulis 2011, Rousseau 1994, Xue 2014). Functional characterization of the variant protein in heterologous cells indicates increased dimerization at lower receptor concentrations (Placone 2012), resulting in ligand-independent phosphorylation of ERK and reduced proliferation of chondrocytes (Krejci 2008). A mouse model expressing the p.Gly380Arg variant recapitulates the skeletal alterations observed in human achondroplasia patients (Lee 2017). The variant is listed as pathogenic in ClinVar (Variation ID: 16327), and it is absent from the Genome Aggregation Database, indicating it is not a common polymorphism. Based on available information, the p.Gly380Arg variant is considered to be pathogenic. References: Accogli A et al. Association of achondroplasia with sagittal synostosis and scaphocephaly in two patients, an underestimated condition? Am J Med Genet A. 2015; 167A(3):646-52. PMID: 25691418. Bessenvei B et al. Achondroplasia with multiple-suture craniosynostosis: a report of a new case of this rare association. Am J Med Genet A. 2013; 161A(10):2641-4. PMID: 23949953. Georgoulis G et al. Achondroplasia with synostosis of multiple sutures. Am J Med Genet A. 2011; 155A(8):1969-71. PMID: 21739570. Huggins M et al. Achondroplasia-hypochondroplasia complex in a newborn infant. Am J Med Genet. 1999; 84(5):396-400.PMID: 10360392. Krejci P et al. Analysis of STAT1 activation by six FGFR3 mutants associated with skeletal dysplasia undermines dominant role of STAT1 in FGFR3 signaling in cartilage. PLoS One. 2008; 3(12):e3961. PMID: 19088846. Lee Y et al. Knock-in human FGFR3 achondroplasia mutation as a mouse model for human skeletal dysplasia. Sci Rep. 2017; 7:43220. PMID: 28230213. Placone J et al. Direct assessment of the effect of the Gly380Arg achondroplasia mutation on FGFR3 dimerization using quantitative imaging FRET. PLoS One. 2012; 7(10):e46678. PMID: 23056398. Rousseau F et al. Mutations in the gene encoding fibroblast growth factor receptor-3 in achondroplasia. Nature. 1994; 371(6494):252-4. PMID: 8078586. Xue Y et al. FGFR3 mutation frequency in 324 cases from the International Skeletal Dysplasia Registry. Mol Genet Genomic Med. 2014; 2(6):497-503. PMID: 25614871.

OLLIN Analises Genomicas, OLLIN
Classification: Pathogenic for Achondroplasia. Last evaluated: 2025-05-21. Review status: criteria provided, single submitter. Criteria: ACMG Guidelines 2015 PMID 25741868. Collection method: clinical testing. Allele origin: germline. Affected: yes. Observed: 1 variant allele.
Comment: The missense variant (chr4:1804392G>A), located in exon 9 (of 18), is reported in ClinVar (VCV000016327.144), in gnomAD v4.1 non-UKB with an allele frequency of 0.00016%, and in the scientific literature, also being identified de novo and segregating with the phenotype, in individuals with achondroplasia and hypochondroplasia (PMID: 25614871, 8078586, 22045636, 25614871, 28230213, 25614871, 22045636, 21739570, 25691418, 10979354, 7702086). Functional studies suggest that this variant affects protein function (PMID: 28230213) and in silico analysis predicts that it has a deleterious effect. There is another reported pathogenic variant that results in this same amino acid residue substitution. 25614871. According to the currently available evidence, this variant has been classified as pathogenic (PS1, PS2_VS, PS3_M, PS4, PP1, PP3).

Mayo Clinic Laboratories, Mayo Clinic
Classification: Pathogenic. Last evaluated: 2025-02-10. Review status: criteria provided, single submitter. Criteria: ACMG Guidelines, 2015. Collection method: clinical testing. Allele origin: germline. Observed: 3 variant alleles.
Comment: PP3

Clinical Genomics Laboratory, Washington University in St. Louis
Classification: Pathogenic for Achondroplasia. Last evaluated: 2024-11-14. Review status: criteria provided, single submitter. Criteria: ACMG Guidelines, 2015. Collection method: clinical testing. Allele origin: germline. Affected: yes.
Comment: The FGFR3 c.1138G>A (p.Gly380Arg) variant has been identified in approximately 90% of individuals with achondroplasia, with most cases reported to occur de novo (Legare JM et al., PMID: 20301331; Xue Y et al., PMID: 25614871). This variant has been reported in the ClinVar database as a pathogenic variant by 51 submitters (Variation ID: 16327) and is absent from the general population (gnomAD v.2.1.1), indicating it is not a common variant. This variant resides within the transmembrane domain, of FGFR3 that is defined as a critical functional domain (Bellus GA et al., PMID: 7847369; Legare JM et al., PMID: 20301331), and computational predictors indicate that the variant is damaging, evidence that correlates with impact to FGFR3 function. Functional studies have demonstrated that the p.Gly380Arg variant leads to the key phenotypic features of achondroplasia in transgenic and knock-in mouse models (Lee YC et al., PMID: 28230213; Segev O et al., PMID: 10607835). The same amino acid change (p.Gly380Arg) resulting from a different nucleotide change, c.1138G>C, has been reported and it is also considered pathogenic (Variation ID: 16328; Legare JM et al., PMID: 20301331). Based on available information and the ACMG/AMP guidelines for variant interpretation (Richards S et al., PMID: 25741868), this variant is classified as pathogenic.